The following is an entry in ClinVar:

NM_005045.4(RELN):c.3614C>T (p.Ser1205Leu)

Gene: RELN (reelin; minus strand). Cytogenetic location: 7q22.1.
Variant type: single nucleotide variant.
Coding change: c.3614C>T on transcript NM_005045.4 (MANE Select); coding-DNA position 3614, C replaced by T.
Protein change: p.Ser1205Leu; replaces serine 1205 with leucine.
Molecular consequence: missense variant.
Genome position (GRCh38, 1-based): chr7:103,594,418, G>A on the plus strand (C>T on the coding strand, the complement: RELN is on the minus strand). VCF-style: chr7-103594418-G-A. GRCh37 (hg19) VCF-style: chr7-103234865-G-A.
Other names: c.3614C>T, p.Ser1205Leu (NM_173054.3); short protein forms S1205L.
Identifiers: ClinVar variation 3753150 (VCV003753150.2).
Genomic context (GRCh38, chr7:103,594,418, plus strand): 5'-TTCTGCTTCTCGGACAGAATGATGATGTCATCGACTGCCCACTGGTCATAGTCCTCCCCT[G>A]AGAACACGGGCTGCCACCAGCGGAACCTGGTGCAAGGGGTCTTGGCAGCAGCTGGAAGCT-3'
Protein context (NP_005036.2, residues 1195-1215): TRFRWWQPVF[Ser1205Leu]GEDYDQWAVD

ClinVar aggregate classification (germline): Uncertain significance (1 of 4 stars; one submission).

Conditions:
Norman-Roberts syndrome (LIS2). Also called: Lissencephaly 2 (Norman-Roberts type). Identifiers: Orphanet 89844, MedGen C0796089, MONDO:0009760, OMIM 257320.
Familial temporal lobe epilepsy 7. Identifiers: Orphanet 101046, MedGen C4225327, MONDO:0014639, OMIM 616436.

gnomAD v4.1: 5 of 1,614,048 alleles (0.00031%); highest among the groups gnomAD compares: Non-Finnish European, 0.00042%; no homozygotes.

Submission:

Labcorp Genetics (formerly Invitae), Labcorp
Classification: Uncertain significance for Familial temporal lobe epilepsy 7; Norman-Roberts syndrome. Last evaluated: 2025-01-13. Review status: criteria provided, single submitter. Criteria: Invitae Variant Classification Sherloc (09022015). Collection method: clinical testing. Allele origin: germline.
Comment: This sequence change replaces serine, which is neutral and polar, with leucine, which is neutral and non-polar, at codon 1205 of the RELN protein (p.Ser1205Leu). This variant is present in population databases (rs754790269, gnomAD 0.002%). This variant has not been reported in the literature in individuals affected with RELN-related conditions. Invitae Evidence Modeling of protein sequence and biophysical properties (such as structural, functional, and spatial information, amino acid conservation, physicochemical variation, residue mobility, and thermodynamic stability) has been performed for this missense variant. However, the output from this modeling did not meet the statistical confidence thresholds required to predict the impact of this variant on RELN protein function. In summary, the available evidence is currently insufficient to determine the role of this variant in disease. Therefore, it has been classified as a Variant of Uncertain Significance.